The following is an entry in ClinVar:

NM_006005.3(WFS1):c.2597A>G (p.Asp866Gly)

Gene: WFS1 (wolframin ER transmembrane glycoprotein; plus strand). Cytogenetic location: 4p16.1.
Variant type: single nucleotide variant.
Coding change: c.2597A>G on transcript NM_006005.3 (MANE Select); coding-DNA position 2597, A replaced by G.
Protein change: p.Asp866Gly; replaces aspartic acid 866 with glycine.
Molecular consequence: missense variant.
Genome position (GRCh38, 1-based): chr4:6,302,392, A>G. VCF-style: chr4-6302392-A-G. GRCh37 (hg19) VCF-style: chr4-6304119-A-G.
Other names: c.2597A>G, p.Asp866Gly (NM_001145853.1); short protein forms D866G.
Identifiers: ClinVar variation 1421217 (VCV001421217.6), dbSNP rs2109127904, ClinGen allele CA356179399.

ClinVar aggregate classification (germline): Uncertain significance (1 of 4 stars; one submission).

gnomAD v4.1: 1 of 1,613,104 alleles (0.000062%); no homozygotes.

Submission:

Labcorp Genetics (formerly Invitae), Labcorp
Classification: Uncertain significance. Last evaluated: 2022-11-08. Review status: criteria provided, single submitter. Criteria: Invitae Variant Classification Sherloc (09022015). Collection method: clinical testing. Allele origin: germline.
Comment: This variant has not been reported in the literature in individuals affected with WFS1-related conditions. In summary, the available evidence is currently insufficient to determine the role of this variant in disease. Therefore, it has been classified as a Variant of Uncertain Significance. Advanced modeling of protein sequence and biophysical properties (such as structural, functional, and spatial information, amino acid conservation, physicochemical variation, residue mobility, and thermodynamic stability) performed at Invitae indicates that this missense variant is expected to disrupt WFS1 protein function. ClinVar contains an entry for this variant (Variation ID: 1421217). This variant is not present in population databases (gnomAD no frequency). This sequence change replaces aspartic acid, which is acidic and polar, with glycine, which is neutral and non-polar, at codon 866 of the WFS1 protein (p.Asp866Gly).